The following is an entry in ClinVar:

NM_001171.6(ABCC6):c.1091C>G (p.Thr364Arg)

Gene: ABCC6 (ATP binding cassette subfamily C member 6; minus strand). Cytogenetic location: 16p13.11.
Variant type: single nucleotide variant.
Coding change: c.1091C>G on transcript NM_001171.6 (MANE Select); coding-DNA position 1091, C replaced by G.
Protein change: p.Thr364Arg; replaces threonine 364 with arginine.
Molecular consequence: missense variant. On other transcripts: non-coding transcript variant (1).
Genome position (GRCh38, 1-based): chr16:16,202,086, G>C on the plus strand (C>G on the coding strand, the complement: ABCC6 is on the minus strand). VCF-style: chr16-16202086-G-C. GRCh37 (hg19) VCF-style: chr16-16295943-G-C.
Other names: c.749C>G, p.Thr250Arg (NM_001351800.1); short protein forms T364R, T250R.
Identifiers: ClinVar variation 433219 (VCV000433219.9), dbSNP rs72653759, ClinGen allele CA7926468.

ClinVar aggregate classification (germline): Conflicting classifications of pathogenicity. Review status: criteria provided, conflicting classifications (1 of 4 stars). 5 submissions from 5 submitters: Pathogenic (1); Likely pathogenic (2); Uncertain significance (1). 1 of the submissions does not count toward it. Last evaluated 2026-02-26.

Conditions:
ABCC6-related disorder. Also called: ABCC6-related condition.
Autosomal recessive inherited pseudoxanthoma elasticum (PXE). Identifiers: Orphanet 758, MedGen CN032334, MONDO:0009925, OMIM 264800.
Arterial calcification, generalized, of infancy, 2. Identifiers: Orphanet 51608, MedGen C3276161, MONDO:0013768, OMIM 614473.
Pseudoxanthoma elasticum, forme fruste. Also called: Pseudoxanthoma Elasticum, Incomplete; PSEUDOXANTHOMA ELASTICUM, HETEROZYGOUS. Identifiers: Orphanet 758, MedGen C1867450, MONDO:0008333, OMIM 177850.
Retinal disorder. Also called: Retinopathies; Retinal Diseases; Retinal disorders; Retinopathy. Identifiers: MedGen C0035309, MONDO:0005283, HP:0000488.

Allele frequency attached by ClinVar (database versions not stated): TOPMed 0.00002; ESP Exome Variant Server 0.00015; 1000 Genomes Project 30x 0.00016; 1000 Genomes Project 0.00020.
gnomAD v4.1: 127 of 1,613,992 alleles (0.0079%); highest among the groups gnomAD compares: Non-Finnish European, 0.011%; no homozygotes.

Submissions (5):

Genetics Laboratory, Great Ormond Street Hospital NHS Foundation Trust, North Thames Genomic Laboratory Hub
Classification: Uncertain significance for Retinal disorders. Last evaluated: 2026-02-26. Review status: criteria provided, single submitter. Criteria: ACGS Best Practice Guidelines for Variant Classification in Rare Disease 2024 v1.2. Collection method: clinical testing. Allele origin: germline. Affected: yes.
Comment: PM2_moderate, PP3_supporting, PM3_moderate

Blueprint Genetics
Classification: Pathogenic for ABCC6-related disorders. Last evaluated: 2024-04-05. Review status: criteria provided, single submitter. Criteria: ACMG Guidelines, 2015. Collection method: clinical testing. Allele origin: germline. Affected: yes. Observed: 5 variant alleles.

GeneDx
Classification: Likely pathogenic. Last evaluated: 2022-10-31. Review status: criteria provided, single submitter. Criteria: GeneDx Variant Classification Process June 2021. Collection method: clinical testing. Allele origin: germline. Affected: yes.
Comment: Published functional studies demonstrated protein instability and defective intracellular trafficking (Saeidian et al., 2022); In silico analysis supports that this missense variant has a deleterious effect on protein structure/function; This variant is associated with the following publications: (PMID: 17617515, 11702217, 15459974, 34205333, 32873932, 34906475, 16086317)

Fulgent Genetics
Classification: Likely pathogenic for Pseudoxanthoma elasticum, forme fruste; Autosomal recessive inherited pseudoxanthoma elasticum; Arterial calcification, generalized, of infancy, 2. Last evaluated: 2021-09-02. Review status: criteria provided, single submitter. Criteria: ACMG Guidelines, 2015. Collection method: clinical testing. Allele origin: unknown.

PXE International
Classification: Pathogenic for Autosomal recessive inherited pseudoxanthoma elasticum. Last evaluated: 2021-03-01. Review status: no assertion criteria provided. Collection method: research. Allele origin: germline. Inheritance: Autosomal recessive inheritance. Affected: yes. Observed: 4 variant alleles. Clinical features observed: Papule (HP:0200034), Retinal hemorrhage (HP:0000573), Abnormally lax or hyperextensible skin (HP:0008067), Angioid streaks (HP:0001102), Skin plaque (HP:0200035), Peau d'orange retinal changes. Not counted in ClinVar's aggregate classification.

Literature cited by the submitters: PubMed 32873932 (cited by PXE International).